The following is an entry in ClinVar:

NM_058216.3(RAD51C):c.870T>G (p.Ile290Met)

Gene: RAD51C (RAD51 paralog C; plus strand). Cytogenetic location: 17q22.
Variant type: single nucleotide variant.
Coding change: c.870T>G on transcript NM_058216.3 (MANE Select); coding-DNA position 870, T replaced by G.
Protein change: p.Ile290Met; replaces isoleucine 290 with methionine.
Molecular consequence: missense variant. On other transcripts: non-coding transcript variant (1).
Genome position (GRCh38, 1-based): chr17:58,720,778, T>G. VCF-style: chr17-58720778-T-G. GRCh37 (hg19) VCF-style: chr17-56798139-T-G.
Other names: short protein forms I290M.
Identifiers: ClinVar variation 490131 (VCV000490131.15), dbSNP rs376402418, ClinGen allele CA400359560.

ClinVar aggregate classification (germline): Conflicting classifications of pathogenicity. Review status: criteria provided, conflicting classifications (1 of 4 stars). 3 submissions from 3 submitters: Uncertain significance (2); Benign (1). Last evaluated 2025-10-28.

Conditions:
Hereditary cancer-predisposing syndrome. Also called: Tumor predisposition; Neoplastic Syndromes, Hereditary; Hereditary Cancer Syndrome; Hereditary neoplastic syndrome. Identifiers: Orphanet 140162, MedGen C0027672, MeSH D009386, MONDO:0015356.
Fanconi anemia complementation group O. Also called: RAD51C-Related Fanconi Anemia. Identifiers: Orphanet 84, MedGen C3150653, MONDO:0013248, OMIM 613390.

Submissions (3):

Ambry Genetics
Classification: Benign for Hereditary cancer-predisposing syndrome. Last evaluated: 2025-10-28. Review status: criteria provided, single submitter. Criteria: Ambry Variant Classification Scheme 2023. Collection method: clinical testing. Allele origin: germline.

Labcorp Genetics (formerly Invitae), Labcorp
Classification: Uncertain significance for Fanconi anemia complementation group O. Last evaluated: 2023-07-16. Review status: criteria provided, single submitter. Criteria: Invitae Variant Classification Sherloc (09022015). Collection method: clinical testing. Allele origin: germline.
Comment: This sequence change replaces isoleucine, which is neutral and non-polar, with methionine, which is neutral and non-polar, at codon 290 of the RAD51C protein (p.Ile290Met). This variant is not present in population databases (gnomAD no frequency). This variant has not been reported in the literature in individuals affected with RAD51C-related conditions. ClinVar contains an entry for this variant (Variation ID: 490131). Advanced modeling of protein sequence and biophysical properties (such as structural, functional, and spatial information, amino acid conservation, physicochemical variation, residue mobility, and thermodynamic stability) performed at Invitae indicates that this missense variant is not expected to disrupt RAD51C protein function. In summary, the available evidence is currently insufficient to determine the role of this variant in disease. Therefore, it has been classified as a Variant of Uncertain Significance.

Color Diagnostics, LLC DBA Color Health
Classification: Uncertain significance for Hereditary cancer-predisposing syndrome. Last evaluated: 2019-03-29. Review status: criteria provided, single submitter. Criteria: ACMG Guidelines, 2015. Collection method: clinical testing. Allele origin: germline.